The following is an entry in ClinVar:

NM_001287.6(CLCN7):c.115G>C (p.Gly39Arg)

Genes: CLCN7 (chloride voltage-gated channel 7; minus strand), LOC130058166 (ATAC-STARR-seq lymphoblastoid silent region 6986; plus strand). Cytogenetic location: 16p13.3.
Variant type: single nucleotide variant.
Coding change: c.115G>C on transcript NM_001287.6 (MANE Select); coding-DNA position 115, G replaced by C.
Protein change: p.Gly39Arg; replaces glycine 39 with arginine.
Molecular consequence: missense variant.
Genome position (GRCh38, 1-based): chr16:1,474,860, C>G on the plus strand (G>C on the coding strand, the complement: CLCN7 is on the minus strand). VCF-style: chr16-1474860-C-G. GRCh37 (hg19) VCF-style: chr16-1524861-C-G.
Other names: c.115G>C, p.Gly39Arg (NM_001114331.3); short protein forms G39R.
Identifiers: ClinVar variation 3014536 (VCV003014536.3), dbSNP rs1488902765, ClinGen allele CA394194022.

ClinVar aggregate classification (germline): Uncertain significance (1 of 4 stars; one submission).

Submission:

Labcorp Genetics (formerly Invitae), Labcorp
Classification: Uncertain significance. Last evaluated: 2023-07-17. Review status: criteria provided, single submitter. Criteria: Invitae Variant Classification Sherloc (09022015). Collection method: clinical testing. Allele origin: germline.
Comment: In summary, the available evidence is currently insufficient to determine the role of this variant in disease. Therefore, it has been classified as a Variant of Uncertain Significance. An algorithm developed to predict the effect of missense changes on protein structure and function (PolyPhen-2) suggests that this variant is likely to be disruptive. This variant has not been reported in the literature in individuals affected with CLCN7-related conditions. This variant is not present in population databases (gnomAD no frequency). This sequence change replaces glycine, which is neutral and non-polar, with arginine, which is basic and polar, at codon 39 of the CLCN7 protein (p.Gly39Arg).